The following is an entry in ClinVar:

ClinVar aggregate classification (germline): Uncertain significance (1 of 4 stars; one submission).

Conditions:
DYRK1A-related intellectual disability syndrome (MRD7). Also called: DYRK1A Syndrome; Intellectual developmental disorder, autosomal dominant 7. Identifiers: Orphanet 464306, MedGen C5568143, MONDO:0013578, OMIM 614104.

Submission:

Labcorp Genetics (formerly Invitae), Labcorp
Classification: Uncertain significance for DYRK1A-related intellectual disability syndrome. Last evaluated: 2025-02-25. Review status: criteria provided, single submitter. Criteria: Invitae Variant Classification Sherloc (09022015). Collection method: clinical testing. Allele origin: germline.
Comment: This sequence change replaces histidine, which is basic and polar, with tyrosine, which is neutral and polar, at codon 600 of the DYRK1A protein (p.His600Tyr). This variant is not present in population databases (gnomAD no frequency). This variant has not been reported in the literature in individuals affected with DYRK1A-related conditions. Invitae Evidence Modeling of protein sequence and biophysical properties (such as structural, functional, and spatial information, amino acid conservation, physicochemical variation, residue mobility, and thermodynamic stability) indicates that this missense variant is not expected to disrupt DYRK1A protein function with a negative predictive value of 95%. In summary, the available evidence is currently insufficient to determine the role of this variant in disease. Therefore, it has been classified as a Variant of Uncertain Significance.

NM_001347721.2(DYRK1A):c.1771C>T (p.His591Tyr)

Gene: DYRK1A (dual specificity tyrosine phosphorylation regulated kinase 1A; plus strand). Cytogenetic location: 21q22.13.
Variant type: single nucleotide variant.
Coding change: c.1771C>T on transcript NM_001347721.2 (MANE Select); coding-DNA position 1771, C replaced by T.
Protein change: p.His591Tyr; replaces histidine 591 with tyrosine.
Molecular consequence: missense variant. On other transcripts: 3 prime UTR variant (2).
Genome position (GRCh38, 1-based): chr21:37,512,037, C>T. VCF-style: chr21-37512037-C-T. GRCh37 (hg19) VCF-style: chr21-38884340-C-T.
Other names: c.1771C>T, p.His591Tyr (NM_001347722.2, NM_130436.2); c.1684C>T, p.His562Tyr (NM_001347723.2); c.1798C>T, p.His600Tyr (NM_001396.5); c.*174C>T (NM_101395.2); c.*83C>T (NM_130438.2); short protein forms H562Y, H591Y, H600Y.
Identifiers: ClinVar variation 4747399 (VCV004747399.1).
Genomic context (GRCh38, chr21:37,512,037, plus strand): 5'-GAAACTCATCCTGTTCAAGAAACAACCTTTCATGTAGCCCCTCAACAGAATGCATTGCAT[C>T]ATCACCATGGTAACAGTTCCCATCACCATCACCACCACCACCACCATCACCACCACCATG-3'
Protein context (NP_001334650.1, residues 581-601): HVAPQQNALH[His591Tyr]HHGNSSHHHH